The following is an entry in ClinVar:

NM_000059.4(BRCA2):c.3262C>G (p.Pro1088Ala)

Gene: BRCA2 (BRCA2 DNA repair associated; plus strand). Cytogenetic location: 13q13.1.
Variant type: single nucleotide variant.
Coding change: c.3262C>G on transcript NM_000059.4 (MANE Select); coding-DNA position 3262, C replaced by G.
Protein change: p.Pro1088Ala; replaces proline 1088 with alanine.
Molecular consequence: missense variant.
Genome position (GRCh38, 1-based): chr13:32,337,617, C>G. VCF-style: chr13-32337617-C-G. GRCh37 (hg19) VCF-style: chr13-32911754-C-G.
Other names: short protein forms P1088A.
Identifiers: ClinVar variation 574256 (VCV000574256.10), dbSNP rs80358572, ClinGen allele CA387776016.

ClinVar aggregate classification (germline): Conflicting classifications of pathogenicity. Review status: criteria provided, conflicting classifications (1 of 4 stars). 2 submissions from 2 submitters: Uncertain significance (1); Likely benign (1). Last evaluated 2023-03-23.

Conditions:
Hereditary cancer-predisposing syndrome. Also called: Neoplastic Syndromes, Hereditary; Hereditary Cancer Syndrome; Tumor predisposition; Hereditary neoplastic syndrome. Identifiers: Orphanet 140162, MedGen C0027672, MeSH D009386, MONDO:0015356.
Hereditary breast ovarian cancer syndrome. Also called: BRCA1- and BRCA2-Associated Hereditary Breast and Ovarian Cancer; Hereditary breast and ovarian cancer; Hereditary breast and/or ovarian cancer syndrome; Hereditary breast and ovarian cancer syndrome; Hereditary breast and ovarian cancer syndrome (HBOC); Breast and ovarian cancer. Identifiers: Orphanet 145, MedGen C0677776, MeSH D061325, MONDO:0003582. Disease mechanism: loss of function.

gnomAD v4.1: 3 of 1,589,816 alleles (0.00019%); highest among the groups gnomAD compares: Non-Finnish European, 0.000086%; no homozygotes.

Submissions (2):

University of Washington Department of Laboratory Medicine, University of Washington
Classification: Likely benign for Hereditary cancer-predisposing syndrome. Last evaluated: 2023-03-23. Review status: criteria provided, single submitter. Criteria: Dines et al. (Genet Med. 2020). Collection method: curation. Allele origin: germline.
Comment: Missense variant in a coldspot region where missense variants are very unlikely to be pathogenic (PMID:31911673).

BRCA2 exon 11 coldspot. Reclassification based on statistical prior probability.

Labcorp Genetics (formerly Invitae), Labcorp
Classification: Uncertain significance for Hereditary breast ovarian cancer syndrome. Last evaluated: 2018-01-21. Review status: criteria provided, single submitter. Criteria: Invitae Variant Classification Sherloc (09022015). Collection method: clinical testing. Allele origin: germline.
Comment: This sequence change replaces proline with alanine at codon 1088 of the BRCA2 protein (p.Pro1088Ala). The proline residue is moderately conserved and there is a small physicochemical difference between proline and alanine. This variant is not present in population databases (ExAC no frequency). In summary, the available evidence is currently insufficient to determine the role of this variant in disease. Therefore, it has been classified as a Variant of Uncertain Significance. Algorithms developed to predict the effect of missense changes on protein structure and function do not agree on the potential impact of this missense change (SIFT: "Tolerated"; PolyPhen-2: "Possibly Damaging"; Align-GVGD: "Class C0"). This variant has not been reported in the literature in individuals with BRCA2-related disease.